The following is an entry in ClinVar:

ClinVar aggregate classification (germline): Uncertain significance. Review status: criteria provided, multiple submitters, no conflicts (2 of 4 stars). 2 submissions from 2 submitters: Uncertain significance (2). Last evaluated 2025-12-01.

Conditions:
Inborn genetic diseases. Identifiers: MedGen C0950123, MeSH D030342.

Allele frequency attached by ClinVar (database versions not stated): gnomAD exomes below 0.00001 and 0.00001; gnomAD 0.00005 and 0.00006; TOPMed 0.00007.
gnomAD v4.1: 12 of 1,612,894 alleles (0.00074%); highest among the groups gnomAD compares: African/African-American, 0.015%; no homozygotes.

Submissions (2):

Labcorp Genetics (formerly Invitae), Labcorp
Classification: Uncertain significance. Last evaluated: 2025-12-01. Review status: criteria provided, single submitter. Criteria: Invitae Variant Classification Sherloc (09022015). Collection method: clinical testing. Allele origin: germline.
Comment: This sequence change replaces serine, which is neutral and polar, with asparagine, which is neutral and polar, at codon 300 of the LMX1B protein (p.Ser300Asn). This variant is present in population databases (no rsID available, gnomAD 0.01%). This variant has not been reported in the literature in individuals affected with LMX1B-related conditions. ClinVar contains an entry for this variant (Variation ID: 1497455). Invitae Evidence Modeling of protein sequence and biophysical properties (such as structural, functional, and spatial information, amino acid conservation, physicochemical variation, residue mobility, and thermodynamic stability) indicates that this missense variant is not expected to disrupt LMX1B protein function with a negative predictive value of 80%. In summary, the available evidence is currently insufficient to determine the role of this variant in disease. Therefore, it has been classified as a Variant of Uncertain Significance.

Ambry Genetics
Classification: Uncertain significance for Inborn genetic diseases. Last evaluated: 2022-08-22. Review status: criteria provided, single submitter. Criteria: Ambry Variant Classification Scheme 2023. Collection method: clinical testing. Allele origin: germline.

NM_001174147.2(LMX1B):c.899G>A (p.Ser300Asn)

Gene: LMX1B (LIM homeobox transcription factor 1 beta; plus strand). Cytogenetic location: 9q33.3.
Variant type: single nucleotide variant.
Coding change: c.899G>A on transcript NM_001174147.2 (MANE Select); coding-DNA position 899, G replaced by A.
Protein change: p.Ser300Asn; replaces serine 300 with asparagine.
Molecular consequence: missense variant.
Genome position (GRCh38, 1-based): chr9:126,695,851, G>A. VCF-style: chr9-126695851-G-A. GRCh37 (hg19) VCF-style: chr9-129458130-G-A.
Other names: c.899G>A (NM_002316.3); c.932G>A, p.Ser311Asn (NM_001174146.2); c.899G>A, p.Ser300Asn (NM_002316.4); short protein forms S300N, S311N.
Identifiers: ClinVar variation 1497455 (VCV001497455.9), dbSNP rs866053996, ClinGen allele CA199816157.